The following is an entry in ClinVar:

ClinVar aggregate classification (germline): Benign/Likely benign. Review status: criteria provided, multiple submitters, no conflicts (2 of 4 stars). 3 submissions from 3 submitters: Benign (1); Likely benign (1). 1 of the submissions does not count toward it. Last evaluated 2025-11-17.

Conditions:
Dystonic disorder. Also called: Dystonia. Identifiers: MedGen C0013421, MONDO:0003441, HP:0001332.
CIZ1-related disorder. Also called: CIZ1-related condition.

Allele frequency attached by ClinVar (database versions not stated): gnomAD exomes 0.00025 and 0.00039; ExAC 0.00041; 1000 Genomes Project 0.00120; 1000 Genomes Project 30x 0.00125; gnomAD 0.00137 and 0.00152; TOPMed 0.00141.
gnomAD v4.1: 587 of 1,611,470 alleles (0.036%); highest among the groups gnomAD compares: African/African-American, 0.49%; 2 homozygotes.

Submissions (3):

Labcorp Genetics (formerly Invitae), Labcorp
Classification: Benign for Dystonic disorder. Last evaluated: 2025-11-17. Review status: criteria provided, single submitter. Criteria: Invitae Variant Classification Sherloc (09022015). Collection method: clinical testing. Allele origin: germline.

Blueprint Genetics
Classification: Likely benign. Last evaluated: 2024-09-13. Review status: criteria provided, single submitter. Criteria: ACMG Guidelines, 2015. Collection method: clinical testing. Allele origin: germline.

PreventionGenetics, part of Exact Sciences
Classification: Likely benign for CIZ1-related condition. Last evaluated: 2019-04-02. Review status: no assertion criteria provided. Collection method: clinical testing. Allele origin: germline. Not counted in ClinVar's aggregate classification.
Comment: This variant is classified as likely benign based on ACMG/AMP sequence variant interpretation guidelines (Richards et al. 2015 PMID: 25741868, with internal and published modifications).

NM_001131016.2(CIZ1):c.1197G>A (p.Pro399=)

Gene: CIZ1 (CDKN1A interacting zinc finger protein 1; minus strand). Cytogenetic location: 9q34.11.
Variant type: single nucleotide variant.
Coding change: c.1197G>A on transcript NM_001131016.2 (MANE Select); coding-DNA position 1197, G replaced by A.
Protein change: p.Pro399=; no amino-acid change (proline 399 retained).
Molecular consequence: synonymous variant. On other transcripts: intron variant (3).
Genome position (GRCh38, 1-based): chr9:128,179,010, C>T on the plus strand (G>A on the coding strand, the complement: CIZ1 is on the minus strand). VCF-style: chr9-128179010-C-T. GRCh37 (hg19) VCF-style: chr9-130941289-C-T.
Other names: c.1287G>A, p.Pro429= (NM_001257975.2); c.894G>A, p.Pro298= (NM_001257976.2); c.1197G>A, p.Pro399= (NM_012127.3); c.1134+63G>A (NM_001131015.2); c.1062+63G>A (NM_001131018.2); c.1119+63G>A (NM_001131017.2).
Identifiers: ClinVar variation 695630 (VCV000695630.13), dbSNP rs139585516, ClinGen allele CA5257360.